The following is an entry in ClinVar:

ClinVar aggregate classification (germline): Uncertain significance (1 of 4 stars; one submission).

gnomAD v4.1: 6 of 1,613,150 alleles (0.00037%); highest among the groups gnomAD compares: African/African-American, 0.0013%; no homozygotes.

Submission:

Labcorp Genetics (formerly Invitae), Labcorp
Classification: Uncertain significance. Last evaluated: 2023-10-27. Review status: criteria provided, single submitter. Criteria: Invitae Variant Classification Sherloc (09022015). Collection method: clinical testing. Allele origin: germline.
Comment: This sequence change replaces arginine, which is basic and polar, with glycine, which is neutral and non-polar, at codon 385 of the CREB3L3 protein (p.Arg385Gly). This variant is present in population databases (no rsID available, gnomAD 0.0009%). This variant has not been reported in the literature in individuals affected with CREB3L3-related conditions. Advanced modeling of protein sequence and biophysical properties (such as structural, functional, and spatial information, amino acid conservation, physicochemical variation, residue mobility, and thermodynamic stability) performed at Invitae indicates that this missense variant is not expected to disrupt CREB3L3 protein function with a negative predictive value of 80%. In summary, the available evidence is currently insufficient to determine the role of this variant in disease. Therefore, it has been classified as a Variant of Uncertain Significance.

NM_032607.3(CREB3L3):c.1153C>G (p.Arg385Gly)

Genes: CREB3L3 (cAMP responsive element binding protein 3 like 3; plus strand), LOC125371455 (Sharpr-MPRA regulatory region 11650; plus strand). Cytogenetic location: 19p13.3.
Variant type: single nucleotide variant.
Coding change: c.1153C>G on transcript NM_032607.3 (MANE Select); coding-DNA position 1153, C replaced by G.
Protein change: p.Arg385Gly; replaces arginine 385 with glycine.
Molecular consequence: missense variant. On other transcripts: 3 prime UTR variant (1).
Genome position (GRCh38, 1-based): chr19:4,171,736, C>G. VCF-style: chr19-4171736-C-G. GRCh37 (hg19) VCF-style: chr19-4171733-C-G.
Other names: c.1150C>G, p.Arg384Gly (NM_001271995.2); c.1147C>G, p.Arg383Gly (NM_001271996.2); c.*32C>G (NM_001271997.2); short protein forms R384G, R385G, R383G.
Identifiers: ClinVar variation 2728077 (VCV002728077.3), dbSNP rs753953218, ClinGen allele CA304468783.